The following is an entry in ClinVar:

ClinVar aggregate classification (germline): Uncertain significance. Review status: criteria provided, multiple submitters, no conflicts (2 of 4 stars). 3 submissions from 3 submitters: Uncertain significance (3). Last evaluated 2025-12-15.

Conditions:
Inborn genetic diseases. Identifiers: MedGen C0950123, MeSH D030342.
JAK2-related disorder. Also called: JAK2-related condition.

gnomAD v4.1: 18 of 1,608,332 alleles (0.0011%); highest among the groups gnomAD compares: Non-Finnish European, 0.0013%; no homozygotes.

Submissions (3):

Labcorp Genetics (formerly Invitae), Labcorp
Classification: Uncertain significance. Last evaluated: 2025-12-15. Review status: criteria provided, single submitter. Criteria: Invitae Variant Classification Sherloc (09022015). Collection method: clinical testing. Allele origin: germline.
Comment: This sequence change replaces alanine, which is neutral and non-polar, with proline, which is neutral and non-polar, at codon 391 of the JAK2 protein (p.Ala391Pro). This variant is present in population databases (rs773872362, gnomAD 0.008%). This variant has not been reported in the literature in individuals affected with JAK2-related conditions. ClinVar contains an entry for this variant (Variation ID: 3679656). Invitae Evidence Modeling of protein sequence and biophysical properties (such as structural, functional, and spatial information, amino acid conservation, physicochemical variation, residue mobility, and thermodynamic stability) indicates that this missense variant is not expected to disrupt JAK2 protein function with a negative predictive value of 80%. In summary, the available evidence is currently insufficient to determine the role of this variant in disease. Therefore, it has been classified as a Variant of Uncertain Significance.

Ambry Genetics
Classification: Uncertain significance for Inborn genetic diseases. Last evaluated: 2025-11-20. Review status: criteria provided, single submitter. Criteria: Ambry Variant Classification Scheme 2023. Collection method: clinical testing. Allele origin: germline.

PreventionGenetics, part of Exact Sciences
Classification: Uncertain significance for JAK2-related condition. Last evaluated: 2024-11-30. Review status: criteria provided, single submitter. Criteria: ACMG Guidelines, 2015. Collection method: clinical testing. Allele origin: germline.
Comment: The JAK2 c.1171G>C variant is predicted to result in the amino acid substitution p.Ala391Pro. To our knowledge, this variant has not been reported in the literature. This variant is reported in 0.0080% of alleles in individuals of European (Finnish) descent in gnomAD. At this time, the clinical significance of this variant is uncertain due to the absence of conclusive functional and genetic evidence.

NM_004972.4(JAK2):c.1171G>C (p.Ala391Pro)

Genes: JAK2 (Janus kinase 2; plus strand), INSL6 (insulin like 6; minus strand). Cytogenetic location: 9p24.1.
Variant type: single nucleotide variant.
Coding change: c.1171G>C on transcript NM_004972.4 (MANE Select); coding-DNA position 1171, G replaced by C.
Protein change: p.Ala391Pro; replaces alanine 391 with proline.
Molecular consequence: missense variant. On other transcripts: 5 prime UTR variant (2), non-coding transcript variant (2).
Genome position (GRCh38, 1-based): chr9:5,064,997, G>C. VCF-style: chr9-5064997-G-C. GRCh37 (hg19) VCF-style: chr9-5064997-G-C.
Other names: c.-45G>C (NM_001322198.2, NM_001322199.2); c.724G>C, p.Ala242Pro (NM_001322204.2); c.1171G>C, p.Ala391Pro (NM_001322194.2, NM_001322195.2, NM_001322196.2); short protein forms A242P, A391P.
Identifiers: ClinVar variation 3679656 (VCV003679656.4).
Genomic context (GRCh38, chr9:5,064,997, plus strand): 5'-GGATATTATAGATTAACTGCAGATGCACATCATTACCTCTGTAAAGAAGTAGCACCTCCA[G>C]CCGTGCTTGAAAATATACAAAGCAACTGTCATGGCCCAATTTCGTGAGTAATACAGACTT-3'
Protein context (NP_004963.1, residues 381-401): HYLCKEVAPP[Ala391Pro]VLENIQSNCH